The following is an entry in ClinVar:

NM_003482.4(KMT2D):c.7198C>A (p.Pro2400Thr)

Gene: KMT2D (lysine methyltransferase 2D; minus strand). Cytogenetic location: 12q13.12.
Variant type: single nucleotide variant.
Coding change: c.7198C>A on transcript NM_003482.4 (MANE Select); coding-DNA position 7198, C replaced by A.
Protein change: p.Pro2400Thr; replaces proline 2400 with threonine.
Molecular consequence: missense variant.
Genome position (GRCh38, 1-based): chr12:49,040,572, G>T on the plus strand (C>A on the coding strand, the complement: KMT2D is on the minus strand). VCF-style: chr12-49040572-G-T. GRCh37 (hg19) VCF-style: chr12-49434355-G-T.
Other names: short protein forms P2400T.
Identifiers: ClinVar variation 3373328 (VCV003373328.1).

ClinVar aggregate classification (germline): Uncertain significance (1 of 4 stars; one submission).

Submission:

GeneDx
Classification: Uncertain significance. Last evaluated: 2024-04-30. Review status: criteria provided, single submitter. Criteria: GeneDx Variant Classification Process June 2021. Collection method: clinical testing. Allele origin: germline. Affected: yes.
Comment: Not observed at significant frequency in large population cohorts (gnomAD); In silico analysis supports that this missense variant has a deleterious effect on protein structure/function; Has not been previously published as pathogenic or benign to our knowledge